The following is an entry in ClinVar:

NM_000275.3(OCA2):c.1465A>T (p.Asn489Tyr)

Gene: OCA2 (OCA2 melanosomal transmembrane protein; minus strand). Cytogenetic location: 15q13.1.
Variant type: single nucleotide variant.
Coding change: c.1465A>T on transcript NM_000275.3 (MANE Select); coding-DNA position 1465, A replaced by T.
Protein change: p.Asn489Tyr; replaces asparagine 489 with tyrosine.
Molecular consequence: missense variant.
Genome position (GRCh38, 1-based): chr15:27,983,383, T>A on the plus strand (A>T on the coding strand, the complement: OCA2 is on the minus strand). VCF-style: chr15-27983383-T-A. GRCh37 (hg19) VCF-style: chr15-28228529-T-A.
Other names: c.1393A>T, p.Asn465Tyr (NM_001300984.2); short protein forms N489Y, N465Y.
Identifiers: ClinVar variation 444337 (VCV000444337.43), dbSNP rs121918170, ClinGen allele CA391359338.

ClinVar aggregate classification (germline): Uncertain significance. Review status: criteria provided, multiple submitters, no conflicts (2 of 4 stars). 2 submissions from 2 submitters: Uncertain significance (2). Last evaluated 2025-09-23.

Submissions (2):

Women's Health and Genetics/Laboratory Corporation of America, LabCorp
Classification: Uncertain significance. Last evaluated: 2025-09-23. Review status: criteria provided, single submitter. Criteria: LabCorp Variant Classification Summary - May 2015. Collection method: clinical testing. Allele origin: germline.
Comment: Variant summary: OCA2 c.1465A>T (p.Asn489Tyr) results in a non-conservative amino acid change in the encoded protein sequence. Algorithms developed to predict the effect of missense changes on protein structure and function all suggest that this variant is likely to be disruptive. The variant was absent in 251496 control chromosomes. c.1465A>T has been observed in individual(s) affected with Oculocutaneous Albinism (example: Wei_2022). A different variant affecting the same codon has been classified as pathogenic by our lab (c.1465A>G, p.Asn465Tyr), supporting the critical relevance of codon 489 to OCA2 protein function. To our knowledge, no experimental evidence demonstrating an impact on protein function has been reported. The following publication has been ascertained in the context of this evaluation (PMID: 34838614). ClinVar contains an entry for this variant (Variation ID: 444337). Based on the evidence outlined above, the variant was classified as VUS-possibly pathogenic.

CeGaT Center for Human Genetics Tuebingen
Classification: Uncertain significance. Last evaluated: 2017-05-01. Review status: criteria provided, single submitter. Criteria: CeGaT Center For Human Genetics Tuebingen Variant Classification Criteria Version 2. Collection method: clinical testing. Allele origin: germline. Affected: yes. Observed: 1 variant allele.

Literature cited by the submitters: PubMed 34838614 (cited by Women's Health and Genetics/Laboratory Corporation of America, LabCorp).